The following is an entry in ClinVar:

ClinVar aggregate classification (germline): Uncertain significance (1 of 4 stars; one submission).

Allele frequency attached by ClinVar (database versions not stated): gnomAD 0.00001; TOPMed 0.00001.
gnomAD v4.1: 20 of 1,613,902 alleles (0.0012%); highest among the groups gnomAD compares: Middle Eastern, 0.033%; 1 homozygote.

Submission:

Labcorp Genetics (formerly Invitae), Labcorp
Classification: Uncertain significance. Last evaluated: 2022-08-16. Review status: criteria provided, single submitter. Criteria: Invitae Variant Classification Sherloc (09022015). Collection method: clinical testing. Allele origin: germline.
Comment: This sequence change replaces arginine, which is basic and polar, with glutamine, which is neutral and polar, at codon 577 of the LRP2 protein (p.Arg577Gln). This variant is present in population databases (rs754884501, gnomAD 0.003%). This variant has not been reported in the literature in individuals affected with LRP2-related conditions. ClinVar contains an entry for this variant (Variation ID: 1045008). Advanced modeling of protein sequence and biophysical properties (such as structural, functional, and spatial information, amino acid conservation, physicochemical variation, residue mobility, and thermodynamic stability) performed at Invitae indicates that this missense variant is not expected to disrupt LRP2 protein function. Algorithms developed to predict the effect of sequence changes on RNA splicing suggest that this variant may create or strengthen a splice site. In summary, the available evidence is currently insufficient to determine the role of this variant in disease. Therefore, it has been classified as a Variant of Uncertain Significance.

NM_004525.3(LRP2):c.1730G>A (p.Arg577Gln)

Gene: LRP2 (LDL receptor related protein 2; minus strand). Cytogenetic location: 2q31.1.
Variant type: single nucleotide variant.
Coding change: c.1730G>A on transcript NM_004525.3 (MANE Select); coding-DNA position 1730, G replaced by A.
Protein change: p.Arg577Gln; replaces arginine 577 with glutamine.
Molecular consequence: missense variant.
Genome position (GRCh38, 1-based): chr2:169,277,787, C>T on the plus strand (G>A on the coding strand, the complement: LRP2 is on the minus strand). VCF-style: chr2-169277787-C-T. GRCh37 (hg19) VCF-style: chr2-170134297-C-T.
Other names: short protein forms R577Q.
Identifiers: ClinVar variation 1045008 (VCV001045008.6), dbSNP rs754884501, ClinGen allele CA1955495.